The following is an entry in ClinVar:

ClinVar aggregate classification (germline): Likely pathogenic. Review status: criteria provided, multiple submitters, no conflicts (2 of 4 stars). 2 submissions from 2 submitters: Likely pathogenic (2). Last evaluated 2025-04-15.

Conditions:
Meckel syndrome, type 5 (MKS5). Identifiers: Orphanet 564, MedGen C1969052, MONDO:0012695, OMIM 611561.
COACH syndrome 3. Identifiers: MedGen C5436841, MONDO:0030862, OMIM 619113.
Joubert syndrome 7 (JBTS7). Identifiers: Orphanet 220497, MedGen C1969053, MONDO:0012694, OMIM 611560.
Joubert syndrome. Also called: CEREBELLOPARENCHYMAL DISORDER IV; JOUBERT-BOLTSHAUSER SYNDROME; Familial aplasia of the vermis. Identifiers: Orphanet 475, MedGen C5979921, MONDO:0018772.

Submissions (2):

Natera, Inc.
Classification: Likely pathogenic for Joubert syndrome. Last evaluated: 2025-04-15. Review status: criteria provided, single submitter. Criteria: Natera Variant Classification Schema (03/2026). Collection method: clinical testing. Allele origin: germline.
Comment: The c.2152+1G>A variant in RPGRIP1L is a canonical splice donor site variant predicted to affect pre-mRNA splicing, which may result in an abnormal transcript and altered protein product. This variant is expected to result in nonsense mediated decay, truncation, or a dysfunctional protein product. This variant is rare in the general population with a frequency below the threshold expected for the associated phenotype(s). Given the available evidence, this variant is classified as Likely Pathogenic.

Fulgent Genetics
Classification: Likely pathogenic for Joubert syndrome 7; Meckel syndrome, type 5; COACH syndrome 3. Last evaluated: 2024-02-28. Review status: criteria provided, single submitter. Criteria: ACMG Guidelines, 2015. Collection method: clinical testing. Allele origin: germline.

NM_015272.5(RPGRIP1L):c.2152+1G>A

Gene: RPGRIP1L (RPGRIP1 like; minus strand). Cytogenetic location: 16q12.2.
Variant type: single nucleotide variant.
Coding change: c.2152+1G>A on transcript NM_015272.5 (MANE Select); the canonical splice donor site of the intron after coding-DNA position 2152, G replaced by A.
Molecular consequence: splice donor variant.
Genome position (GRCh38, 1-based): chr16:53,652,534, C>T on the plus strand (G>A on the coding strand, the complement: RPGRIP1L is on the minus strand). VCF-style: chr16-53652534-C-T. GRCh37 (hg19) VCF-style: chr16-53686446-C-T.
Other names: c.2152+1G>A (NM_001127897.4, NM_001330538.2, NM_001308334.3 and 1 more transcripts).
Identifiers: ClinVar variation 3580844 (VCV003580844.3).